The following is an entry in ClinVar:

NM_006580.4(CLDN16):c.-98G>A

Gene: CLDN16 (claudin 16; plus strand). Cytogenetic location: 3q28.
Variant type: single nucleotide variant.
Coding change: c.-98G>A on transcript NM_006580.4 (MANE Select); 98 bases upstream of the start codon, G replaced by A.
Molecular consequence: 5 prime UTR variant. On other transcripts: intron variant (2).
Genome position (GRCh38, 1-based): chr3:190,388,232, G>A. VCF-style: chr3-190388232-G-A. GRCh37 (hg19) VCF-style: chr3-190106021-G-A.
Other names: c.-93-5G>A (NM_001378492.1, NM_001378493.1).
Identifiers: ClinVar variation 1468455 (VCV001468455.8), dbSNP rs762080532, ClinGen allele CA2753696.

ClinVar aggregate classification (germline): Uncertain significance (1 of 4 stars; one submission).

Allele frequency attached by ClinVar (database versions not stated): ExAC 0.00002; gnomAD exomes 0.00002; TOPMed 0.00003; gnomAD 0.00004.
gnomAD v4.1: 36 of 1,613,920 alleles (0.0022%); highest among the groups gnomAD compares: Non-Finnish European, 0.0031%; no homozygotes.

Submission:

Labcorp Genetics (formerly Invitae), Labcorp
Classification: Uncertain significance. Last evaluated: 2021-02-02. Review status: criteria provided, single submitter. Criteria: Invitae Variant Classification Sherloc (09022015). Collection method: clinical testing. Allele origin: germline.
Comment: In summary, the available evidence is currently insufficient to determine the role of this variant in disease. Therefore, it has been classified as a Variant of Uncertain Significance. Algorithms developed to predict the effect of missense changes on protein structure and function (SIFT, PolyPhen-2, Align-GVGD) all suggest that this variant is likely to be tolerated, but these predictions have not been confirmed by published functional studies and their clinical significance is uncertain. This variant has not been reported in the literature in individuals with CLDN16-related conditions. This variant is present in population databases (rs762080532, ExAC 0.005%). This sequence change replaces cysteine with tyrosine at codon 38 of the CLDN16 protein (p.Cys38Tyr). The cysteine residue is weakly conserved and there is a large physicochemical difference between cysteine and tyrosine.